The following is an entry in ClinVar:

ClinVar aggregate classification (germline): Pathogenic (1 of 4 stars; one submission).

Conditions:
Loeys-Dietz syndrome 1 (LDS1). Also called: TGFBR1-Related Loeys-Dietz Syndrome; AORTIC ANEURYSM, FAMILIAL THORACIC 5; FURLONG SYNDROME. Identifiers: Orphanet 60030, MedGen C4551955, MONDO:0012212, OMIM 609192.

Submission:

Institute of Human Genetics, University of Leipzig Medical Center
Classification: Pathogenic for Loeys-Dietz syndrome 1. Last evaluated: 2025-02-17. Review status: criteria provided, single submitter. Criteria: ACMG Guidelines, 2015. Collection method: clinical testing. Allele origin: paternal. Inheritance: Autosomal dominant inheritance. Affected: yes.
Comment: Criteria applied: PVS1,PM2

NM_004612.4(TGFBR1):c.90_91delinsT (p.Ala31fs)

Gene: TGFBR1 (transforming growth factor beta receptor 1; plus strand). Cytogenetic location: 9q22.33.
Variant type: Indel.
Coding change: c.90_91delinsT on transcript NM_004612.4 (MANE Select); coding-DNA positions 90 to 91, GG replaced by T.
Protein change: p.Ala31fs; shifts the reading frame from alanine 31.
Molecular consequence: frameshift variant. On other transcripts: 5 prime UTR variant (5), non-coding transcript variant (4), intron variant (8).
Genome position (GRCh38, 1-based): chr9:99,105,295-99,105,296, GG replaced by T. VCF-style: chr9-99105295-GG-T. GRCh37 (hg19) VCF-style: chr9-101867577-GG-T.
Other names: c.90_91delinsT, p.Ala31fs (NM_001130916.3, NM_001306210.2, NM_001407416.1 and 5 more transcripts); c.-254_-253delinsT (NM_001407420.1, NM_001407429.1); c.-223_-222delinsT (NM_001407422.1, NM_001407426.1); c.-178_-177delinsT (NM_001407428.1); c.-111+1554_-111+1555delinsT (NM_001407418.1, NM_001407423.1); c.-111+1189_-111+1190delinsT (NM_001407424.1); c.-111+776_-111+777delinsT (NM_001407425.1); c.-111+569_-111+570delinsT (NM_001407434.1); and 3 more; short protein forms A31fs.
Identifiers: ClinVar variation 3773662 (VCV003773662.3).